The following is an entry in ClinVar:

Conditions:
Breast-ovarian cancer, familial, susceptibility to, 1 (BROVCA1). Also called: BRCA1 Hereditary Breast and Ovarian Cancer; OVARIAN CANCER, SUSCEPTIBILITY TO. Identifiers: Orphanet 145, MedGen C2676676, MONDO:0011450, OMIM 604370. Disease mechanism: loss of function.

Submission:

Brotman Baty Institute, University of Washington
No classification provided (evidence only). Condition: Breast-ovarian cancer, familial 1. Review status: no classification provided. Collection method: in vitro. Allele origin: not applicable. Functional consequence: functionally_normal.
ClinVar note: "not provided" was previously submitted as the classification for the variant. However, the classification appeared to be based only on an observation of functional data so it was converted to no classification on 2025-07-30.

NM_007294.4(BRCA1):c.47A>C (p.Asn16Thr)

Gene: BRCA1 (BRCA1 DNA repair associated; minus strand). Cytogenetic location: 17q21.31.
Variant type: single nucleotide variant.
Coding change: c.47A>C on transcript NM_007294.4 (MANE Select); coding-DNA position 47, A replaced by C.
Protein change: p.Asn16Thr; replaces asparagine 16 with threonine.
Molecular consequence: missense variant. On other transcripts: 5 prime UTR variant (1), non-coding transcript variant (1).
Genome position (GRCh38, 1-based): chr17:43,124,050, T>G on the plus strand (A>C on the coding strand, the complement: BRCA1 is on the minus strand). VCF-style: chr17-43124050-T-G. GRCh37 (hg19) VCF-style: chr17-41276067-T-G.
Other names: c.47A>C, p.Asn16Thr (NM_001407593.1, NM_001407594.1, NM_001407596.1 and 193 more transcripts); c.-214A>C (NM_001407725.1, NM_001407730.1, NM_001407734.1 and 22 more transcripts); c.-160A>C (NM_001407726.1, NM_001407751.1); c.-211A>C (NM_001407727.1, NM_001407731.1, NM_001407733.1 and 11 more transcripts); c.-41A>C (NM_001407732.1, NM_001407736.1, NM_001407738.1 and 23 more transcripts); c.-218A>C (NM_001407741.1, NM_001407934.1, NM_001408497.1); c.-91A>C (NM_001407841.1); c.-240A>C (NM_001407846.1, NM_001407920.1, NM_001407697.1); and 8 more; short protein forms N16T.
Identifiers: ClinVar variation 868727 (VCV000868727.3), dbSNP rs2055729319, ClinGen allele CA10602066.